The following is an entry in ClinVar:

NC_000016.9:g.(?_70294927)_(70311077_?)del

Gene: AARS1 (alanyl-tRNA synthetase 1; minus strand). Cytogenetic location: 16q22.1.
Variant type: Deletion.
Identifiers: ClinVar variation 2424205 (VCV002424205.4).

ClinVar aggregate classification (germline): Pathogenic (1 of 4 stars; one submission).

Conditions:
Charcot-Marie-Tooth disease type 2. Also called: Charcot-Marie-Tooth type 2. Identifiers: Orphanet 64746, MedGen C0270914, MONDO:0018993.

Submission:

Labcorp Genetics (formerly Invitae), Labcorp
Classification: Pathogenic for Charcot-Marie-Tooth disease type 2. Last evaluated: 2023-02-04. Review status: criteria provided, single submitter. Criteria: Invitae Variant Classification Sherloc (09022015). Collection method: clinical testing. Allele origin: germline.
Comment: This variant disrupts a region of the AARS protein in which other variant(s) (p.Lys81Thr) have been determined to be pathogenic (PMID: 25817015). This suggests that this is a clinically significant region of the protein, and that variants that disrupt it are likely to be disease-causing. This variant is a gross deletion of the genomic region encompassing exon(s) 3-13 of the AARS gene. This variant would be expected to be in-frame, preserving the integrity of the reading frame. This variant has not been reported in the literature in individuals affected with AARS-related conditions. For these reasons, this variant has been classified as Pathogenic.

Literature cited by the submitters: PubMed 25817015.